The following is an entry in ClinVar:

NM_133510.4(RAD51B):c.365G>A (p.Ser122Asn)

Gene: RAD51B (RAD51 paralog B; plus strand). Cytogenetic location: 14q24.1.
Variant type: single nucleotide variant.
Coding change: c.365G>A on transcript NM_133510.4 (MANE Select); coding-DNA position 365, G replaced by A.
Protein change: p.Ser122Asn; replaces serine 122 with asparagine.
Molecular consequence: missense variant.
Genome position (GRCh38, 1-based): chr14:67,865,052, G>A. VCF-style: chr14-67865052-G-A. GRCh37 (hg19) VCF-style: chr14-68331769-G-A.
Other names: c.365G>A, p.Ser122Asn (NM_001321809.2, NM_001321810.2, NM_001321812.1 and 6 more transcripts); c.251G>A, p.Ser84Asn (NM_001321815.1); c.8G>A, p.Ser3Asn (NM_001321817.2); short protein forms S122N, S84N, S3N.
Identifiers: ClinVar variation 3942269 (VCV003942269.1).
Genomic context (GRCh38, chr14:67,865,052, plus strand): 5'-TTTTTTTTTAGATTACAGGTCCACCAGGTTGTGGAAAAACTCAGTTTTGTATAATGATGA[G>A]CATTTTGGCTACATTACCCACCAACATGGGAGGATTAGAAGGAGCTGTGGTGTACATTGA-3'
Protein context (NP_598194.1, residues 112-132): CGKTQFCIMM[Ser122Asn]ILATLPTNMG

ClinVar aggregate classification (germline): Uncertain significance (1 of 4 stars; one submission).

gnomAD v4.1: 2 of 1,448,484 alleles (0.00014%); highest among the groups gnomAD compares: Middle Eastern, 0.019%; no homozygotes.

Submission:

Ambry Genetics
Classification: Uncertain significance. Last evaluated: 2025-03-19. Review status: criteria provided, single submitter. Criteria: Ambry Variant Classification Scheme 2023. Collection method: clinical testing. Allele origin: germline.
Comment: The p.S122N variant (also known as c.365G>A), located in coding exon 4 of the RAD51B gene, results from a G to A substitution at nucleotide position 365. The serine at codon 122 is replaced by asparagine, an amino acid with highly similar properties. This amino acid position is conserved. In addition, the in silico prediction for this alteration is inconclusive. Based on the available evidence, the clinical significance of this variant remains unclear.